The following is an entry in ClinVar:

ClinVar aggregate classification (germline): Uncertain significance. Review status: criteria provided, multiple submitters, no conflicts (2 of 4 stars). 2 submissions from 2 submitters: Uncertain significance (2). Last evaluated 2023-11-20.

Conditions:
Inborn genetic diseases. Identifiers: MedGen C0950123, MeSH D030342.

Allele frequency attached by ClinVar (database versions not stated): gnomAD 0.00003; TOPMed 0.00003; gnomAD exomes 0.00005; ExAC 0.00007; ESP Exome Variant Server 0.00023.

Submissions (2):

Labcorp Genetics (formerly Invitae), Labcorp
Classification: Uncertain significance. Last evaluated: 2023-11-20. Review status: criteria provided, single submitter. Criteria: Invitae Variant Classification Sherloc (09022015). Collection method: clinical testing. Allele origin: germline.
Comment: This sequence change replaces threonine, which is neutral and polar, with methionine, which is neutral and non-polar, at codon 2074 of the CAD protein (p.Thr2074Met). This variant is present in population databases (rs144767518, gnomAD 0.06%). This variant has not been reported in the literature in individuals affected with CAD-related conditions. ClinVar contains an entry for this variant (Variation ID: 1901717). An algorithm developed to predict the effect of missense changes on protein structure and function (PolyPhen-2) suggests that this variant is likely to be disruptive. In summary, the available evidence is currently insufficient to determine the role of this variant in disease. Therefore, it has been classified as a Variant of Uncertain Significance.

Ambry Genetics
Classification: Uncertain significance for Inborn genetic diseases. Last evaluated: 2023-04-17. Review status: criteria provided, single submitter. Criteria: Ambry Variant Classification Scheme 2023. Collection method: clinical testing. Allele origin: germline.

NM_004341.5(CAD):c.6221C>T (p.Thr2074Met)

Gene: CAD (carbamoyl-phosphate synthetase 2, aspartate transcarbamylase, and dihydroorotase; plus strand). Cytogenetic location: 2p23.3.
Variant type: single nucleotide variant.
Coding change: c.6221C>T on transcript NM_004341.5 (MANE Select); coding-DNA position 6221, C replaced by T.
Protein change: p.Thr2074Met; replaces threonine 2074 with methionine.
Molecular consequence: missense variant.
Genome position (GRCh38, 1-based): chr2:27,242,426, C>T. VCF-style: chr2-27242426-C-T. GRCh37 (hg19) VCF-style: chr2-27465294-C-T.
Other names: c.6032C>T, p.Thr2011Met (NM_001306079.2); c.6221C>T (NM_004341.3); short protein forms T2074M, T2011M.
Identifiers: ClinVar variation 1901717 (VCV001901717.5), dbSNP rs144767518, ClinGen allele CA1574137.
Genomic context (GRCh38, chr2:27,242,426, plus strand): 5'-CCCAGGCCCTGCTGGACATCTTCACCATCCGTGAGGAGCTGGGAACTGTCAATGGCATGA[C>T]GGTGAGGGTGGTGGCAGGGTTTGGATCCCTGCCAGGGGACGATCTAGAGAGGGAGGCAGG-3'
Protein context (NP_004332.2, residues 2064-2084): REELGTVNGM[Thr2074Met]ITMVGDLKHG